The following is an entry in ClinVar:

NM_000478.6(ALPL):c.617A>G (p.Tyr206Cys)

Gene: ALPL (alkaline phosphatase, biomineralization associated; plus strand). Cytogenetic location: 1p36.12.
Variant type: single nucleotide variant.
Coding change: c.617A>G on transcript NM_000478.6 (MANE Select); coding-DNA position 617, A replaced by G.
Protein change: p.Tyr206Cys; replaces tyrosine 206 with cysteine.
Molecular consequence: missense variant.
Genome position (GRCh38, 1-based): chr1:21,564,185, A>G. VCF-style: chr1-21564185-A-G. GRCh37 (hg19) VCF-style: chr1-21890678-A-G.
Other names: c.452A>G, p.Tyr151Cys (NM_001127501.4); c.386A>G, p.Tyr129Cys (NM_001177520.3); c.617A>G, p.Tyr206Cys (NM_001369803.2, NM_001369804.2, NM_001369805.2); short protein forms Y129C, Y151C, Y206C.
Identifiers: ClinVar variation 978707 (VCV000978707.5), dbSNP rs780790767, ClinGen allele CA338878324.

ClinVar aggregate classification (germline): Likely pathogenic. Review status: criteria provided, single submitter (1 of 4 stars). 2 submissions from 2 submitters: Likely pathogenic (1). 1 of the submissions does not count toward it. Last evaluated 2025-07-29.

Conditions:
Infantile hypophosphatasia. Identifiers: Orphanet 247651, Orphanet 436, MedGen C0268412, MONDO:1010169, OMIM 241500, MONDO:0009427.

Allele frequency attached by ClinVar (database versions not stated): TOPMed below 0.00001; gnomAD 0.00001.
gnomAD v4.1: 1 of 1,613,870 alleles (0.000062%); highest among the groups gnomAD compares: African/African-American, 0.0013%; no homozygotes.

Submissions (2):

Labcorp Genetics (formerly Invitae), Labcorp
Classification: Likely pathogenic. Last evaluated: 2025-07-29. Review status: criteria provided, single submitter. Criteria: Invitae Variant Classification Sherloc (09022015). Collection method: clinical testing. Allele origin: germline.
Comment: This sequence change replaces tyrosine, which is neutral and polar, with cysteine, which is neutral and slightly polar, at codon 206 of the ALPL protein (p.Tyr206Cys). This variant is not present in population databases (gnomAD no frequency). This missense change has been observed in individual(s) with clinical features of ALPL-related conditions (internal data). ClinVar contains an entry for this variant (Variation ID: 978707). Invitae Evidence Modeling of protein sequence and biophysical properties (such as structural, functional, and spatial information, amino acid conservation, physicochemical variation, residue mobility, and thermodynamic stability) indicates that this missense variant is expected to disrupt ALPL protein function with a positive predictive value of 95%. In summary, the currently available evidence indicates that the variant is pathogenic, but additional data are needed to prove that conclusively. Therefore, this variant has been classified as Likely Pathogenic.

Center for Molecular Medicine, Children’s Hospital of Fudan University
Classification: Likely pathogenic for Infantile hypophosphatasia. Last evaluated: 2020-07-07. Review status: no assertion criteria provided. Collection method: clinical testing. Allele origin: maternal. Affected: yes. Not counted in ClinVar's aggregate classification.